The following is an entry in ClinVar:

ClinVar aggregate classification (germline): Pathogenic (1 of 4 stars; one submission).

Conditions:
Autosomal recessive limb-girdle muscular dystrophy type 2A (LGMDR1). Also called: Muscular dystrophy, limb-girdle, type 2A, Amish; Limb-girdle muscular dystrophy, type 2A; LEYDEN-MOEBIUS MUSCULAR DYSTROPHY; MUSCULAR DYSTROPHY, PELVOFEMORAL; Calpainopathy. Identifiers: Orphanet 267, MedGen C1869123, MONDO:0009675, OMIM 253600. Disease mechanism: loss of function.

gnomAD v4.1: 1 of 1,614,192 alleles (0.000062%); no homozygotes.

Submission:

Laboratory of Medical Genetics, National & Kapodistrian University of Athens
Classification: Pathogenic for Autosomal recessive limb-girdle muscular dystrophy type 2A. Last evaluated: 2021-08-10. Review status: criteria provided, single submitter. Criteria: ACMG Guidelines, 2015. Collection method: clinical testing. Allele origin: de novo. Affected: yes.
Comment: PS2, PM1, PM2, PM3, PP2, PP3

NM_000070.3(CAPN3):c.1363T>C (p.Trp455Arg)

Genes: CAPN3 (calpain 3; plus strand), LOC130056921 (ATAC-STARR-seq lymphoblastoid active region 9300; plus strand). Cytogenetic location: 15q15.1.
Variant type: single nucleotide variant.
Coding change: c.1363T>C on transcript NM_000070.3 (MANE Select); coding-DNA position 1363, T replaced by C.
Protein change: p.Trp455Arg; replaces tryptophan 455 with arginine.
Molecular consequence: missense variant.
Genome position (GRCh38, 1-based): chr15:42,401,649, T>C. VCF-style: chr15-42401649-T-C. GRCh37 (hg19) VCF-style: chr15-42693847-T-C.
Other names: c.1363T>C, p.Trp455Arg (NM_024344.2); c.1219T>C, p.Trp407Arg (NM_173087.2); short protein forms W407R, W455R.
Identifiers: ClinVar variation 1299546 (VCV001299546.1), dbSNP rs2141199370, ClinGen allele CA391999678.